The following is an entry in ClinVar:

ClinVar aggregate classification (germline): Conflicting classifications of pathogenicity. Review status: criteria provided, conflicting classifications (1 of 4 stars). 2 submissions from 2 submitters: Uncertain significance (1); Likely benign (1). Last evaluated 2024-02-12.

Conditions:
Hereditary spherocytosis type 2. Also called: SPHEROCYTOSIS, TYPE 2, AUTOSOMAL DOMINANT. Identifiers: Orphanet 822, MedGen C2674219, MONDO:0000913, OMIM 616649.

gnomAD v4.1: 7 of 1,614,138 alleles (0.00043%); highest among the groups gnomAD compares: Non-Finnish European, 0.00059%; no homozygotes.

Submissions (2):

Department of Pediatrics, Duzce University
Classification: Uncertain significance for Hereditary spherocytosis type 2. Last evaluated: 2024-02-12. Review status: criteria provided, single submitter. Criteria: ACMG Guidelines, 2015. Collection method: research. Allele origin: germline. Inheritance: Autosomal dominant inheritance. Affected: yes.
Comment: Intronic variant at the +9 position, outside the canonical splice-donor dinucleotide. Predicted effect on splicing is uncertain; rare in population databases (PM2_supporting); no functional (RNA) evidence currently available. Applied ACMG/AMP criteria: PM2_supporting. Classification: Uncertain significance.

Blueprint Genetics
Classification: Likely benign. Last evaluated: 2021-03-23. Review status: criteria provided, single submitter. Criteria: ACMG Guidelines, 2015. Collection method: clinical testing. Allele origin: germline.

NM_001355436.2(SPTB):c.1341+9G>T

Gene: SPTB (spectrin beta, erythrocytic; minus strand). Cytogenetic location: 14q23.3.
Variant type: single nucleotide variant.
Coding change: c.1341+9G>T on transcript NM_001355436.2 (MANE Select); 9 bases into the intron after coding-DNA position 1341, G replaced by T.
Molecular consequence: intron variant.
Genome position (GRCh38, 1-based): chr14:64,796,548, C>A on the plus strand (G>T on the coding strand, the complement: SPTB is on the minus strand). VCF-style: chr14-64796548-C-A. GRCh37 (hg19) VCF-style: chr14-65263266-C-A.
Other names: c.1341+9G>T (NM_001024858.4, NM_001355437.2).
Identifiers: ClinVar variation 4852840 (VCV004852840.2).